The following is an entry in ClinVar:

NC_000002.11:g.(?_167083057)_(167099186_?)del

Gene: SCN9A (sodium voltage-gated channel alpha subunit 9; minus strand). Cytogenetic location: 2q24.3.
Variant type: Deletion.
Identifiers: ClinVar variation 2424582 (VCV002424582.4).

ClinVar aggregate classification (germline): Pathogenic (1 of 4 stars; one submission).

Conditions:
Generalized epilepsy with febrile seizures plus, type 7 (GEFSP7). Also called: GEFS+, TYPE 7. Identifiers: Orphanet 36387, MedGen C2751778, MONDO:0013470, OMIM 613863.
Neuropathy, hereditary sensory and autonomic, type 2A (HSAN2A). Also called: MORVAN DISEASE; NEUROPATHY, CONGENITAL SENSORY; NEUROPATHY, HEREDITARY SENSORY RADICULAR, AUTOSOMAL RECESSIVE; NEUROPATHY, HEREDITARY SENSORY, TYPE IIA; NEUROPATHY, PROGRESSIVE SENSORY, OF CHILDREN; HSAN IIA. Identifiers: Orphanet 970, MedGen C2752089, MONDO:0024309, OMIM 201300.

Submission:

Labcorp Genetics (formerly Invitae), Labcorp
Classification: Pathogenic for Neuropathy, hereditary sensory and autonomic, type 2A; Generalized epilepsy with febrile seizures plus, type 7. Last evaluated: 2022-08-25. Review status: criteria provided, single submitter. Criteria: Invitae Variant Classification Sherloc (09022015). Collection method: clinical testing. Allele origin: germline.
Comment: For these reasons, this variant has been classified as Pathogenic. This variant has not been reported in the literature in individuals affected with SCN9A-related conditions. This variant is a gross deletion of the genomic region encompassing exon(s) 19-24 of the SCN9A gene. This deletion is out-of-frame, and is expected to create a premature termination codon and result in an absent or disrupted protein product. Loss-of-function variants in SCN9A are known to be pathogenic (PMID: 17470132, 19304393).

Literature cited by the submitters: PubMed 17470132; PubMed 19304393.